The following is an entry in ClinVar:

NM_001382347.1(MYO5A):c.1144A>G (p.Thr382Ala)

Gene: MYO5A (myosin VA; minus strand). Cytogenetic location: 15q21.2.
Variant type: single nucleotide variant.
Coding change: c.1144A>G on transcript NM_001382347.1 (MANE Select); coding-DNA position 1144, A replaced by G.
Protein change: p.Thr382Ala; replaces threonine 382 with alanine.
Molecular consequence: missense variant.
Genome position (GRCh38, 1-based): chr15:52,397,376, T>C on the plus strand (A>G on the coding strand, the complement: MYO5A is on the minus strand). VCF-style: chr15-52397376-T-C. GRCh37 (hg19) VCF-style: chr15-52689573-T-C.
Other names: c.1144A>G, p.Thr382Ala (NM_000259.3, NM_001142495.2); c.1216A>G, p.Thr406Ala (NM_001382348.1, NM_001382349.1); short protein forms T382A, T406A.
Identifiers: ClinVar variation 1049162 (VCV001049162.1), dbSNP rs375819705, ClinGen allele CA7569034.
Genomic context (GRCh38, chr15:52,397,376, plus strand): 5'-CATCGCGGGCATTCGTGGCCTGCAGCTTGGAGATGGGCTTGATGTATGTCTCTGTGGCAG[T>C]AGCCAGTTTCCGATGGCAGAGCCAGTGACACATCTCCTCATAGTCCACACCCATGAGTTC-3'
Protein context (NP_001369276.1, residues 372-392): CHWLCHRKLA[Thr382Ala]ATETYIKPIS

ClinVar aggregate classification (germline): Uncertain significance (0 of 4 stars; one submission).

Allele frequency attached by ClinVar (database versions not stated): gnomAD exomes below 0.00001 and 0.00001; ExAC 0.00001; gnomAD 0.00001; TOPMed 0.00001; ESP Exome Variant Server 0.00008.
gnomAD v4.1: 11 of 1,613,966 alleles (0.00068%); highest among the groups gnomAD compares: Admixed American, 0.0033%; no homozygotes.

Submission:

Department of Pathology and Laboratory Medicine, Sinai Health System
Classification: Uncertain significance. Review status: no assertion criteria provided. Collection method: clinical testing. Allele origin: unknown. Affected: yes. Study: The Canadian Open Genetics Repository (COGR).
Comment: The MYO5A p.Thr382Ala variant was not identified in the literature nor was it identified in the ClinVar, Cosmic, or LOVD 3.0 databases. The variant was also identified in the dbSNP (ID: rs375819705) database. The variant was identified in control databases in 1 of 249188 chromosomes at a frequency of 0.000004 (Genome Aggregation Database Feb 27, 2017). The variant was observed in the following populations: European (non-Finnish) in 1 of 112992 chromosomes (freq: 0.000009), while the variant was not observed in the African, Latino, Ashkenazi Jewish, East Asian, European (Finnish), Other, and South Asian populations. The p.Thr382 residue is conserved in mammals and computational analyses (PolyPhen-2, SIFT, AlignGVGD, BLOSUM, MutationTaster) provide inconsistent predictions regarding the impact to the protein; this information is not very predictive of pathogenicity. The variant occurs outside of the splicing consensus sequence and in silico or computational prediction software programs (SpliceSiteFinder, MaxEntScan, NNSPLICE, GeneSplicer) do not predict a difference in splicing. In summary, based on the above information the clinical significance of this variant cannot be determined with certainty at this time. This variant is classified as a variant of uncertain significance.